The following is an entry in ClinVar:

ClinVar aggregate classification (germline): Uncertain significance (1 of 4 stars; one submission).

Conditions:
3-methylglutaconic aciduria, type VIIB (MGCA7B). Also called: CLPB Deficiency; 3-methylglutaconic aciduria, type VII, with cataracts, neurologic involvement and neutropenia; 3-methylglutaconic aciduria with cataracts, neurologic involvement and neutropenia. Identifiers: Orphanet 445038, MedGen C5676893, MONDO:0014561, OMIM 616271.

Allele frequency attached by ClinVar (database versions not stated): gnomAD exomes below 0.00001; ExAC 0.00001.
gnomAD v4.1: 1 of 1,614,022 alleles (0.000062%); highest among the groups gnomAD compares: Admixed American, 0.0017%; no homozygotes.

Submission:

Labcorp Genetics (formerly Invitae), Labcorp
Classification: Uncertain significance for 3-methylglutaconic aciduria, type VIIB. Last evaluated: 2024-10-16. Review status: criteria provided, single submitter. Criteria: Invitae Variant Classification Sherloc (09022015). Collection method: clinical testing. Allele origin: germline.
Comment: This sequence change replaces asparagine, which is neutral and polar, with lysine, which is basic and polar, at codon 524 of the CLPB protein (p.Asn524Lys). This variant is present in population databases (rs779812366, gnomAD 0.003%). This variant has not been reported in the literature in individuals affected with CLPB-related conditions. ClinVar contains an entry for this variant (Variation ID: 572122). An algorithm developed to predict the effect of missense changes on protein structure and function (PolyPhen-2) suggests that this variant is likely to be tolerated. In summary, the available evidence is currently insufficient to determine the role of this variant in disease. Therefore, it has been classified as a Variant of Uncertain Significance.

NM_001258392.3(CLPB):c.1482C>G (p.Asn494Lys)

Gene: CLPB (ClpB family mitochondrial disaggregase; minus strand). Cytogenetic location: 11q13.4.
Variant type: single nucleotide variant.
Coding change: c.1482C>G on transcript NM_001258392.3 (MANE Select); coding-DNA position 1482, C replaced by G.
Protein change: p.Asn494Lys; replaces asparagine 494 with lysine.
Molecular consequence: missense variant.
Genome position (GRCh38, 1-based): chr11:72,295,496, G>C on the plus strand (C>G on the coding strand, the complement: CLPB is on the minus strand). VCF-style: chr11-72295496-G-C. GRCh37 (hg19) VCF-style: chr11-72006540-G-C.
Other names: c.1395C>G, p.Asn465Lys (NM_001258393.3); c.1437C>G, p.Asn479Lys (NM_001258394.3); c.1572C>G, p.Asn524Lys (NM_030813.6); short protein forms N524K, N494K, N465K, N479K.
Identifiers: ClinVar variation 572122 (VCV000572122.9), dbSNP rs779812366, ClinGen allele CA6171158.